The following is an entry in ClinVar:

ClinVar aggregate classification (germline): Conflicting classifications of pathogenicity. Review status: criteria provided, conflicting classifications (1 of 4 stars). 2 submissions from 2 submitters: Uncertain significance (1); Likely benign (1). Last evaluated 2025-03-19.

Allele frequency attached by ClinVar (database versions not stated): gnomAD 0.00014; TOPMed 0.00012; ExAC 0.00015; 1000 Genomes Project 0.00040; 1000 Genomes Project 30x 0.00047.
gnomAD v4.1: 68 of 1,613,402 alleles (0.0042%); highest among the groups gnomAD compares: Admixed American, 0.055%; no homozygotes.

Submissions (2):

Ambry Genetics
Classification: Likely benign. Last evaluated: 2025-03-19. Review status: criteria provided, single submitter. Criteria: Ambry Variant Classification Scheme 2023. Collection method: clinical testing. Allele origin: germline.

Labcorp Genetics (formerly Invitae), Labcorp
Classification: Uncertain significance. Last evaluated: 2024-11-04. Review status: criteria provided, single submitter. Criteria: Invitae Variant Classification Sherloc (09022015). Collection method: clinical testing. Allele origin: germline.
Comment: This sequence change replaces alanine, which is neutral and non-polar, with threonine, which is neutral and polar, at codon 786 of the CTDP1 protein (p.Ala786Thr). This variant is present in population databases (rs545124895, gnomAD 0.08%). This variant has not been reported in the literature in individuals affected with CTDP1-related conditions. ClinVar contains an entry for this variant (Variation ID: 2080277). An algorithm developed to predict the effect of missense changes on protein structure and function outputs the following: PolyPhen-2: "Benign". The threonine amino acid residue is found in multiple mammalian species, which suggests that this missense change does not adversely affect protein function. In summary, the available evidence is currently insufficient to determine the role of this variant in disease. Therefore, it has been classified as a Variant of Uncertain Significance.

NM_004715.5(CTDP1):c.2356G>A (p.Ala786Thr)

Gene: CTDP1 (CTD phosphatase subunit 1; plus strand). Cytogenetic location: 18q23.
Variant type: single nucleotide variant.
Coding change: c.2356G>A on transcript NM_004715.5 (MANE Select); coding-DNA position 2356, G replaced by A.
Protein change: p.Ala786Thr; replaces alanine 786 with threonine.
Molecular consequence: missense variant.
Genome position (GRCh38, 1-based): chr18:79,717,955, G>A. VCF-style: chr18-79717955-G-A. GRCh37 (hg19) VCF-style: chr18-77477955-G-A.
Other names: c.1999G>A, p.Ala667Thr (NM_001202504.1); c.2356G>A, p.Ala786Thr (NM_001318511.2, NM_048368.4); short protein forms A667T, A786T.
Identifiers: ClinVar variation 2080277 (VCV002080277.3), dbSNP rs545124895, ClinGen allele CA9010563.